The following is an entry in ClinVar:

ClinVar aggregate classification (germline): Benign (1 of 4 stars; one submission).

gnomAD v4.1: 16,908 of 1,551,698 alleles (1.1%); highest among the groups gnomAD compares: Middle Eastern, 5.9%; 147 homozygotes.

Submission:

CeGaT Center for Human Genetics Tuebingen
Classification: Benign. Last evaluated: 2025-09-01. Review status: criteria provided, single submitter. Criteria: CeGaT Center For Human Genetics Tuebingen Variant Classification Criteria Version 2. Collection method: clinical testing. Allele origin: germline. Affected: yes. Observed: 1 variant allele.
Comment: AK9: BP4, BP7, BS1, BS2

NM_001145128.3(AK9):c.3978T>C (p.Cys1326=)

Gene: AK9 (adenylate kinase 9; minus strand). Cytogenetic location: 6q21.
Variant type: single nucleotide variant.
Coding change: c.3978T>C on transcript NM_001145128.3 (MANE Select); coding-DNA position 3978, T replaced by C.
Protein change: p.Cys1326=; no amino-acid change (cysteine 1326 retained).
Molecular consequence: synonymous variant.
Genome position (GRCh38, 1-based): chr6:109,515,944, A>G on the plus strand (T>C on the coding strand, the complement: AK9 is on the minus strand). VCF-style: chr6-109515944-A-G. GRCh37 (hg19) VCF-style: chr6-109837147-A-G.
Identifiers: ClinVar variation 4280737 (VCV004280737.7).